The following is an entry in ClinVar:

ClinVar aggregate classification (germline): Uncertain significance (1 of 4 stars; one submission).

Conditions:
RFX7-related disorder. Also called: RFX7-related condition.

Submission:

PreventionGenetics, part of Exact Sciences
Classification: Uncertain significance for RFX7-related condition. Last evaluated: 2025-06-19. Review status: criteria provided, single submitter. Criteria: ACMG Guidelines, 2015. Collection method: clinical testing. Allele origin: germline.
Comment: The RFX7 c.1252A>G variant is predicted to result in the amino acid substitution p.Ser418Gly. To our knowledge, this variant has not been reported in the literature or in a large population database (gnomAD), indicating this variant is rare. At this time, the clinical significance of this variant is uncertain due to the absence of conclusive functional and genetic evidence.

NM_022841.7(RFX7):c.1252A>G (p.Ser418Gly)

Gene: RFX7 (regulatory factor X7; minus strand). Cytogenetic location: 15q21.3.
Variant type: single nucleotide variant.
Coding change: c.1252A>G on transcript NM_022841.7 (MANE Select); coding-DNA position 1252, A replaced by G.
Protein change: p.Ser418Gly; replaces serine 418 with glycine.
Molecular consequence: missense variant.
Genome position (GRCh38, 1-based): chr15:56,096,476, T>C on the plus strand (A>G on the coding strand, the complement: RFX7 is on the minus strand). VCF-style: chr15-56096476-T-C. GRCh37 (hg19) VCF-style: chr15-56388674-T-C.
Other names: c.961A>G, p.Ser321Gly (NM_001368073.2, NM_001368074.1, NM_001370554.1); c.1252A>G, p.Ser418Gly (NM_001370561.1); short protein forms S418G, S321G.
Identifiers: ClinVar variation 4985773 (VCV004985773.1).